The following is an entry in ClinVar:

NM_017780.4(CHD7):c.1681C>A (p.Pro561Thr)

Genes: CHD7 (chromodomain helicase DNA binding protein 7; plus strand), LOC126860403 (CDK7 strongly-dependent group 2 enhancer GRCh37_chr8:61693034-61694233; plus strand). Cytogenetic location: 8q12.2.
Variant type: single nucleotide variant.
Coding change: c.1681C>A on transcript NM_017780.4 (MANE Select); coding-DNA position 1681, C replaced by A.
Protein change: p.Pro561Thr; replaces proline 561 with threonine.
Molecular consequence: missense variant.
Genome position (GRCh38, 1-based): chr8:60,781,015, C>A. VCF-style: chr8-60781015-C-A. GRCh37 (hg19) VCF-style: chr8-61693574-C-A.
Other names: c.1681C>A, p.Pro561Thr (NM_001316690.1); c.1681C>A (NM_017780.2); short protein forms P561T.
Identifiers: ClinVar variation 1684268 (VCV001684268.3), dbSNP rs1231245538, ClinGen allele CA371311239.

ClinVar aggregate classification (germline): Uncertain significance. Review status: criteria provided, multiple submitters, no conflicts (2 of 4 stars). 3 submissions from 3 submitters: Uncertain significance (3). Last evaluated 2023-04-14.

Conditions:
CHARGE syndrome (CHARGE). Also called: Coloboma, heart anomaly, choanal atresia, retardation, genital and ear anomalies; CHARGE association; Hall-Hittner syndrome; Hittner Hirsch Kreh syndrome; CHARGE ASSOCIATION--COLOBOMA, HEART ANOMALY, CHOANAL ATRESIA, RETARDATION, GENITAL AND EAR ANOMALIES. Identifiers: Orphanet 138, MedGen C0265354, MONDO:0008965.
Hypogonadotropic hypogonadism 5 with or without anosmia (KAL5). Also called: HYPOGONADOTROPIC HYPOGONADISM 5 WITH ANOSMIA; HYPOGONADOTROPHIC HYPOGONADISM 5 WITHOUT ANOSMIA; CHD7-Related GnRH Deficiency (Kallmann Syndrome 5). Identifiers: Orphanet 478, MedGen C3552553, MONDO:0012880, OMIM 612370. Disease mechanism: loss of function.

Allele frequency attached by ClinVar (database versions not stated): gnomAD exomes below 0.00001.
gnomAD v4.1: 10 of 1,560,766 alleles (0.00064%); highest among the groups gnomAD compares: Non-Finnish European, 0.00086%; no homozygotes.

Submissions (3):

GeneDx
Classification: Uncertain significance. Last evaluated: 2023-04-14. Review status: criteria provided, single submitter. Criteria: GeneDx Variant Classification Process June 2021. Collection method: clinical testing. Allele origin: germline. Affected: yes.
Comment: Not observed at significant frequency in large population cohorts (gnomAD); In silico analysis supports that this missense variant does not alter protein structure/function; Has not been previously published as pathogenic or benign to our knowledge

Fulgent Genetics
Classification: Uncertain significance for CHD7-related CHARGE syndrome; Hypogonadotropic hypogonadism 5 with or without anosmia. Last evaluated: 2022-05-18. Review status: criteria provided, single submitter. Criteria: ACMG Guidelines, 2015. Collection method: clinical testing. Allele origin: unknown.

Daryl Scott Lab, Baylor College of Medicine
Classification: Uncertain significance for CHD7-related CHARGE syndrome. Last evaluated: 2022-02-01. Review status: criteria provided, single submitter. Criteria: ACMG Guidelines, 2015. Collection method: clinical testing. Allele origin: maternal. Observed: 1 variant allele.

Literature cited by the submitters: PubMed 36474027 (cited by Daryl Scott Lab, Baylor College of Medicine).